The following is an entry in ClinVar:

NM_177924.5(ASAH1):c.648+1G>C

Gene: ASAH1 (N-acylsphingosine amidohydrolase 1; minus strand). Cytogenetic location: 8p22.
Variant type: single nucleotide variant.
Coding change: c.648+1G>C on transcript NM_177924.5 (MANE Select); the canonical splice donor site of the intron after coding-DNA position 648, G replaced by C.
Molecular consequence: splice donor variant.
Genome position (GRCh38, 1-based): chr8:18,062,278, C>G on the plus strand (G>C on the coding strand, the complement: ASAH1 is on the minus strand). VCF-style: chr8-18062278-C-G. GRCh37 (hg19) VCF-style: chr8-17919787-C-G.
Other names: c.696+1G>C (NM_004315.6); c.630+1G>C (NM_001127505.3); c.453+1G>C (NM_001363743.2).
Identifiers: ClinVar variation 505533 (VCV000505533.14), dbSNP rs1411267767, ClinGen allele CA370429792.

ClinVar aggregate classification (germline): Likely pathogenic. Review status: criteria provided, multiple submitters, no conflicts (2 of 4 stars). 4 submissions from 4 submitters: Likely pathogenic (4). Last evaluated 2024-05-29.

Conditions:
ASAH1-related disorders. Also called: ASAH1-related condition; ASAH1-related disorder. Identifiers: MedGen CN376120, MONDO:0800460.
Farber lipogranulomatosis (FRBRL). Also called: Farber's lipogranulomatosis; Farber disease; AC DEFICIENCY; ACID CERAMIDASE DEFICIENCY; CERAMIDASE DEFICIENCY; N-LAURYLSPHINGOSINE DEACYLASE DEFICIENCY. Identifiers: Orphanet 333, MedGen C0268255, MONDO:0009218, OMIM 228000.

gnomAD v4.1: 2 of 1,614,176 alleles (0.00012%); highest among the groups gnomAD compares: Non-Finnish European, 0.00017%; no homozygotes.

Submissions (4):

Labcorp Genetics (formerly Invitae), Labcorp
Classification: Likely pathogenic. Last evaluated: 2024-05-29. Review status: criteria provided, single submitter. Criteria: Invitae Variant Classification Sherloc (09022015). Collection method: clinical testing. Allele origin: germline.
Comment: This sequence change affects a donor splice site in intron 8 of the ASAH1 gene. It is expected to disrupt RNA splicing. Variants that disrupt the donor or acceptor splice site typically lead to a loss of protein function (PMID: 16199547), and loss-of-function variants in ASAH1 are known to be pathogenic (PMID: 24164096, 24355074). This variant is not present in population databases (gnomAD no frequency). Disruption of this splice site has been observed in individual(s) with Farber disease (PMID: 24164096). ClinVar contains an entry for this variant (Variation ID: 505533). Algorithms developed to predict the effect of sequence changes on RNA splicing suggest that this variant may disrupt the consensus splice site. In summary, the currently available evidence indicates that the variant is pathogenic, but additional data are needed to prove that conclusively. Therefore, this variant has been classified as Likely Pathogenic.

GeneDx
Classification: Likely pathogenic. Last evaluated: 2023-12-14. Review status: criteria provided, single submitter. Criteria: GeneDx Variant Classification Process June 2021. Collection method: clinical testing. Allele origin: germline. Affected: yes.
Comment: Reported in an individual with Farber disease who also had a copy number variant in published literature (PMID: 30202443); Not observed at significant frequency in large population cohorts (gnomAD); Canonical splice site variant predicted to result in a null allele in a gene for which loss of function is a known mechanism of disease; This variant is associated with the following publications: (PMID: 32449975, 24164096, 30609409, 30202443)

Blueprint Genetics
Classification: Likely pathogenic for ASAH1-related disorders. Last evaluated: 2020-03-17. Review status: criteria provided, single submitter. Criteria: ACMG Guidelines, 2015. Collection method: clinical testing. Allele origin: germline. Affected: yes. Observed: 1 variant allele.

Laboratory for Molecular Medicine, Mass General Brigham Personalized Medicine
Classification: Likely pathogenic for Farber lipogranulomatosis. Last evaluated: 2017-03-03. Review status: criteria provided, single submitter. Criteria: LMM Criteria. Collection method: clinical testing. Allele origin: germline. Inheritance: Autosomal recessive inheritance. Observed: 1 variant allele.
Comment: The c.696+1G>C (NM_004315.4) variant in ASAH1 has been reported in 1 compound he terozygous individual with Faber lipogranulomatosis (as c.648+1G>C on NM_177924. 3; Dyment 2014), and was absent from large population studies. This variant occu rs in the invariant region (+/- 1,2) of the splice consensus sequence and is pre dicted to cause altered splicing leading to an abnormal or absent protein. Biall elic loss of function of the ASAH1 gene has been associated with Faber lipogranu lomatosis. In summary, although additional studies are required to fully establi sh a null effect, the c.696+1G>C variant is likely pathogenic for Faber lipogran ulomatosis in an autosomal recessive manner based upon its predicted impact on p rotein function. Please note that other loss of function variants in the ASAH1 g ene have also been associated with spinal muscular atrophy with progressive myoc lonic epilepsy. The disease phenotype cannot be predicted based on the genotype and may vary depending on the variant on the other copy of the gene.

Literature cited by the submitters: PubMed 16199547 (cited by Labcorp Genetics (formerly Invitae), Labcorp); PubMed 24164096 (cited by Labcorp Genetics (formerly Invitae), Labcorp and Laboratory for Molecular Medicine, Mass General Brigham Personalized Medicine); PubMed 24355074 (cited by Labcorp Genetics (formerly Invitae), Labcorp).